The following is an entry in ClinVar:

ClinVar aggregate classification (germline): Uncertain significance (1 of 4 stars; one submission).

Allele frequency attached by ClinVar (database versions not stated): gnomAD 0.00001.

Submission:

Labcorp Genetics (formerly Invitae), Labcorp
Classification: Uncertain significance. Last evaluated: 2023-10-13. Review status: criteria provided, single submitter. Criteria: Invitae Variant Classification Sherloc (09022015). Collection method: clinical testing. Allele origin: germline.
Comment: This sequence change replaces glutamic acid, which is acidic and polar, with glycine, which is neutral and non-polar, at codon 42 of the PCLO protein (p.Glu42Gly). This variant is present in population databases (no rsID available, gnomAD 0.01%). This variant has not been reported in the literature in individuals affected with PCLO-related conditions. ClinVar contains an entry for this variant (Variation ID: 1973111). Experimental studies and prediction algorithms are not available or were not evaluated, and the functional significance of this variant is currently unknown. In summary, the available evidence is currently insufficient to determine the role of this variant in disease. Therefore, it has been classified as a Variant of Uncertain Significance.

NM_033026.6(PCLO):c.125A>G (p.Glu42Gly)

Gene: PCLO (piccolo presynaptic cytomatrix protein; minus strand). Cytogenetic location: 7q21.11.
Variant type: single nucleotide variant.
Coding change: c.125A>G on transcript NM_033026.6 (MANE Select); coding-DNA position 125, A replaced by G.
Protein change: p.Glu42Gly; replaces glutamic acid 42 with glycine.
Molecular consequence: missense variant.
Genome position (GRCh38, 1-based): chr7:83,162,468, T>C on the plus strand (A>G on the coding strand, the complement: PCLO is on the minus strand). VCF-style: chr7-83162468-T-C. GRCh37 (hg19) VCF-style: chr7-82791784-T-C.
Other names: c.125A>G, p.Glu42Gly (NM_014510.3); short protein forms E42G.
Identifiers: ClinVar variation 1973111 (VCV001973111.5), dbSNP rs1212960568, ClinGen allele CA367922399.
Genomic context (GRCh38, chr7:83,162,468, plus strand): 5'-CTTGACATGACAGCGGCGATCTGTCTCCTCTCCTCTTCGCTCAGCTGGCTCAAATCCGCC[T>C]CCATGCCGGCCGGGATCGCGGTGTGAGAGGGGCTCCCCGCCCCGCTAGCTCCTCCTCCAG-3'
Protein context (NP_149015.2, residues 32-52): PSHTAIPAGM[Glu42Gly]ADLSQLSEEE